The following is an entry in ClinVar:

NM_001042492.3(NF1):c.2251+5A>G

Gene: NF1 (neurofibromin 1; plus strand). Cytogenetic location: 17q11.2.
Variant type: single nucleotide variant.
Coding change: c.2251+5A>G on transcript NM_001042492.3 (MANE Select); 5 bases into the intron after coding-DNA position 2251, A replaced by G.
Molecular consequence: intron variant.
Genome position (GRCh38, 1-based): chr17:31,226,689, A>G. VCF-style: chr17-31226689-A-G. GRCh37 (hg19) VCF-style: chr17-29553707-A-G.
Other names: c.2251+5A>G (NM_000267.4).
Identifiers: ClinVar variation 185107 (VCV000185107.15), dbSNP rs786201934, ClinGen allele CA191058.
Genomic context (GRCh38, chr17:31,226,689, plus strand): 5'-GCCCAACTATAACACATTCATGGAGTTTGCCTCTGTCAGCAATATGATGTCAACAGGTAA[A>G]TGTGAATAGTGGTTTTTTTTACTCAGTCTGCCTCAAAGCACATGGCATCTGATTTTGAGA-3'

ClinVar aggregate classification (germline): Conflicting classifications of pathogenicity. Review status: criteria provided, conflicting classifications (1 of 4 stars). 6 submissions from 5 submitters: Uncertain significance (3); Likely benign (3). Last evaluated 2026-05-12.

Conditions:
Hereditary cancer-predisposing syndrome. Also called: Tumor predisposition; Hereditary neoplastic syndrome; Neoplastic Syndromes, Hereditary; Hereditary Cancer Syndrome. Identifiers: Orphanet 140162, MedGen C0027672, MeSH D009386, MONDO:0015356.
Cardiovascular phenotype. Identifiers: MedGen CN230736.
Neurofibromatosis, familial spinal (FSNF). Identifiers: Orphanet 636, MedGen C1834235, MONDO:0008078, OMIM 162210. Disease mechanism: loss of function.
Neurofibromatosis-Noonan syndrome (NFNS). Also called: NEUROFIBROMATOSIS WITH NOONAN PHENOTYPE. Identifiers: Orphanet 638, MedGen C2931482, MONDO:0011035, OMIM 601321. Disease mechanism: loss of function.
Café-au-lait macules with pulmonary stenosis (WTSN). Also called: PULMONIC STENOSIS WITH CAFE-AU-LAIT SPOTS. Identifiers: MedGen C0553586, MONDO:0008672, OMIM 193520.
Juvenile myelomonocytic leukemia (JMML). Also called: LEUKEMIA, JUVENILE MYELOMONOCYTIC, SOMATIC. Identifiers: Orphanet 86834, MedGen C0349639, MONDO:0011908, OMIM 607785, HP:0012209.
Neurofibromatosis, type 1 (NF1). Also called: Neurofibromatosis, type I; NEUROFIBROMATOSIS, TYPE I, SOMATIC; VON RECKLINGHAUSEN DISEASE; Peripheral type neurofibromatosis. Identifiers: Orphanet 636, MedGen C0027831, MONDO:0018975, OMIM 162200. Disease mechanism: loss of function.

Allele frequency attached by ClinVar (database versions not stated): gnomAD exomes below 0.00001; gnomAD 0.00001; TOPMed 0.00003.
gnomAD v4.1: 3 of 1,613,552 alleles (0.00019%); highest among the groups gnomAD compares: African/African-American, 0.004%; no homozygotes.

Submissions (6):

Myriad Genetics, Inc.
Classification: Likely benign for Neurofibromatosis, type 1. Last evaluated: 2026-05-12. Review status: criteria provided, single submitter. Criteria: Myriad Autosomal Dominant, Autosomal Recessive and X-Linked Classification Criteria (2023). Collection method: clinical testing. Allele origin: unknown.
Comment: This variant is considered likely benign. This variant is intronic and is not expected to impact mRNA splicing.

Labcorp Genetics (formerly Invitae), Labcorp
Classification: Likely benign for Neurofibromatosis, type 1. Last evaluated: 2025-10-07. Review status: criteria provided, single submitter. Criteria: Invitae Variant Classification Sherloc (09022015). Collection method: clinical testing. Allele origin: germline.

Ambry Genetics
Classification: Likely benign for Cardiovascular phenotype; Hereditary cancer-predisposing syndrome. Last evaluated: 2023-01-19. Review status: criteria provided, single submitter. Criteria: Ambry Variant Classification Scheme 2023. Collection method: clinical testing. Allele origin: germline.

Genome-Nilou Lab
Classification: Uncertain significance for Neurofibromatosis, type 1. Last evaluated: 2022-03-15. Review status: criteria provided, single submitter. Criteria: ACMG Guidelines, 2015. Collection method: clinical testing. Allele origin: germline. Affected: no.

Fulgent Genetics
Classification: Uncertain significance for Neurofibromatosis, type 1; Neurofibromatosis, familial spinal; Café-au-lait macules with pulmonary stenosis; Neurofibromatosis-Noonan syndrome; Juvenile myelomonocytic leukemia. Last evaluated: 2021-07-06. Review status: criteria provided, single submitter. Criteria: ACMG Guidelines, 2015. Collection method: clinical testing. Allele origin: unknown.

Ambry Genetics
Classification: Uncertain significance for Hereditary cancer-predisposing syndrome. Last evaluated: 2015-04-07. Review status: criteria provided, single submitter. Criteria: Ambry Autosomal Dominant and X-Linked criteria (10/2015). Collection method: clinical testing. Allele origin: germline. Observed: 1 variant allele.
Comment: The c.2251+5A>G intronic variant results from an A to G substitution 5 nucleotides after coding exon 18 in the NF1 gene. This variant was not reported in population based cohorts in the following databases: Database of Single Nucleotide Polymorphisms (dbSNP), NHLBI Exome Sequencing Project (ESP), and 1000 Genomes Project. In the ESP, this variant was not observed in 6503 samples (13006 alleles) with coverage at this position. To date, this alteration has been detected with an allele frequency of approximately 0.01% (greater than 55000 alleles tested) in our clinical cohort. This nucleotide position is not well conserved in available vertebrate species. Using the BDGP and ESEfinder splice site prediction tools, this alteration is not predicted to have any significant effect on the native splice donor site; however, direct evidence is unavailable. Since supporting evidence is limited at this time, the clinical significance of c.2251+5A>G remains unclear.